The following is an entry in ClinVar:

NM_025179.4(PLXNA2):c.2098-7C>T

Gene: PLXNA2 (plexin A2; minus strand). Cytogenetic location: 1q32.2.
Variant type: single nucleotide variant.
Coding change: c.2098-7C>T on transcript NM_025179.4 (MANE Select); 7 bases into the intron before coding-DNA position 2098, C replaced by T.
Molecular consequence: intron variant.
Genome position (GRCh38, 1-based): chr1:208,084,587, G>A on the plus strand (C>T on the coding strand, the complement: PLXNA2 is on the minus strand). VCF-style: chr1-208084587-G-A. GRCh37 (hg19) VCF-style: chr1-208257932-G-A.
Identifiers: ClinVar variation 4979687 (VCV004979687.1).

ClinVar aggregate classification (germline): Likely benign (1 of 4 stars; one submission).

Conditions:
PLXNA2-related disorder. Also called: PLXNA2-related condition.

gnomAD v4.1: 150 of 1,612,758 alleles (0.0093%); highest among the groups gnomAD compares: Non-Finnish European, 0.012%; no homozygotes.

Submission:

PreventionGenetics, part of Exact Sciences
Classification: Likely benign for PLXNA2-related condition. Last evaluated: 2025-05-21. Review status: criteria provided, single submitter. Criteria: ACMG Guidelines, 2015. Collection method: clinical testing. Allele origin: germline.
Comment: This variant is classified as likely benign based on ACMG/AMP sequence variant interpretation guidelines (Richards et al. 2015 PMID: 25741868, with internal and published modifications).